The following is an entry in ClinVar:

NM_004991.4(MECOM):c.3338A>G (p.Asn1113Ser)

Gene: MECOM (MDS1 and EVI1 complex locus; minus strand). Cytogenetic location: 3q26.2.
Variant type: single nucleotide variant.
Coding change: c.3338A>G on transcript NM_004991.4 (MANE Select); coding-DNA position 3338, A replaced by G.
Protein change: p.Asn1113Ser; replaces asparagine 1113 with serine.
Molecular consequence: missense variant.
Genome position (GRCh38, 1-based): chr3:169,090,063, T>C on the plus strand (A>G on the coding strand, the complement: MECOM is on the minus strand). VCF-style: chr3-169090063-T-C. GRCh37 (hg19) VCF-style: chr3-168807851-T-C.
Other names: c.2969A>G, p.Asn990Ser (NM_001105077.4); c.2774A>G, p.Asn925Ser (NM_001105078.4, NM_001205194.2, NM_001366469.2 and 1 more transcripts); c.2750A>G, p.Asn917Ser (NM_001163999.2, NM_001366470.2); c.2747A>G, p.Asn916Ser (NM_001164000.2, NM_001366471.2, NM_001366472.2); c.3311A>G, p.Asn1104Ser (NM_001366466.2); c.2777A>G, p.Asn926Ser (NM_001366467.2, NM_001366468.2); c.2339A>G, p.Asn780Ser (NM_001366473.2); c.1775A>G, p.Asn592Ser (NM_001366474.2); short protein forms N592S, N916S, N925S, N1113S, N780S, N917S, N990S, N1104S.
Identifiers: ClinVar variation 4053157 (VCV004053157.1).

ClinVar aggregate classification (germline): Uncertain significance (1 of 4 stars; one submission).

Conditions:
Inborn genetic diseases. Identifiers: MedGen C0950123, MeSH D030342.

gnomAD v4.1: 5 of 1,613,586 alleles (0.00031%); highest among the groups gnomAD compares: Non-Finnish European, 0.00034%; no homozygotes.

Submission:

Ambry Genetics
Classification: Uncertain significance for Inborn genetic diseases. Last evaluated: 2025-04-07. Review status: criteria provided, single submitter. Criteria: Ambry Variant Classification Scheme 2023. Collection method: clinical testing. Allele origin: germline.
Comment: The p.N1113S variant (also known as c.3338A>G), located in coding exon 15 of the MECOM gene, results from an A to G substitution at nucleotide position 3338. The asparagine at codon 1113 is replaced by serine, an amino acid with highly similar properties. This amino acid position is conserved. In addition, this alteration is predicted to be tolerated by in silico analysis. Based on the available evidence, the clinical significance of this variant remains unclear.